The following is an entry in ClinVar:

NM_024417.5(FDXR):c.353C>T (p.Thr118Met)

Gene: FDXR (ferredoxin reductase; minus strand). Cytogenetic location: 17q25.1.
Variant type: single nucleotide variant.
Coding change: c.353C>T on transcript NM_024417.5 (MANE Select); coding-DNA position 353, C replaced by T.
Protein change: p.Thr118Met; replaces threonine 118 with methionine.
Molecular consequence: missense variant. On other transcripts: non-coding transcript variant (1), intron variant (1).
Genome position (GRCh38, 1-based): chr17:74,866,486, G>A on the plus strand (C>T on the coding strand, the complement: FDXR is on the minus strand). VCF-style: chr17-74866486-G-A. GRCh37 (hg19) VCF-style: chr17-72862608-G-A.
Other names: c.353C>T (NM_024417.4); c.482C>T, p.Thr161Met (NM_001258012.4); c.446C>T, p.Thr149Met (NM_001258013.4); c.329C>T, p.Thr110Met (NM_001258014.4); c.197C>T, p.Thr66Met (NM_001258016.3); c.353C>T, p.Thr118Met (NM_004110.6); c.274-242C>T (NM_001258015.3); short protein forms T118M, T161M, T110M, T66M, T149M.
Identifiers: ClinVar variation 3278459 (VCV003278459.2).

ClinVar aggregate classification (germline): Uncertain significance. Review status: criteria provided, multiple submitters, no conflicts (2 of 4 stars). 2 submissions from 2 submitters: Uncertain significance (2). Last evaluated 2026-06-03.

Conditions:
FDXR-related disorder. Also called: FDXR-related condition; FDXR-related disorders.
Inborn genetic diseases. Identifiers: MedGen C0950123, MeSH D030342.

gnomAD v4.1: 50 of 1,613,634 alleles (0.0031%); highest among the groups gnomAD compares: East Asian, 0.027%; no homozygotes.

Submissions (2):

PreventionGenetics, part of Exact Sciences
Classification: Uncertain significance for FDXR-related condition. Last evaluated: 2026-06-03. Review status: criteria provided, single submitter. Criteria: ACMG Guidelines, 2015. Collection method: clinical testing. Allele origin: germline.
Comment: The FDXR c.353C>T variant is predicted to result in the amino acid substitution p.Thr118Met. To our knowledge, this variant has not been reported in the literature. This variant is reported in 0.026% of alleles in individuals of Latino descent in gnomAD. At this time, the clinical significance of this variant is uncertain due to the absence of conclusive functional and genetic evidence.

Ambry Genetics
Classification: Uncertain significance for Inborn genetic diseases. Last evaluated: 2024-06-07. Review status: criteria provided, single submitter. Criteria: Ambry Variant Classification Scheme 2023. Collection method: clinical testing. Allele origin: germline.